The following is an entry in ClinVar:

NM_001283009.2(RTEL1):c.3599C>T (p.Ala1200Val)

Genes: RTEL1 (regulator of telomere elongation helicase 1; plus strand), RTEL1-TNFRSF6B (RTEL1-TNFRSF6B readthrough (NMD candidate); plus strand). Cytogenetic location: 20q13.33.
Variant type: single nucleotide variant.
Coding change: c.3599C>T on transcript NM_001283009.2 (MANE Select); coding-DNA position 3599, C replaced by T.
Protein change: p.Ala1200Val; replaces alanine 1200 with valine.
Molecular consequence: missense variant. On other transcripts: non-coding transcript variant (1).
Genome position (GRCh38, 1-based): chr20:63,695,427, C>T. VCF-style: chr20-63695427-C-T. GRCh37 (hg19) VCF-style: chr20-62326780-C-T.
Other names: c.2930C>T, p.Ala977Val (NM_001283010.1); c.3599C>T, p.Ala1200Val (NM_016434.4); c.3671C>T, p.Ala1224Val (NM_032957.5); short protein forms A1200V, A1224V, A977V.
Identifiers: ClinVar variation 5028508 (VCV005028508.1).

ClinVar aggregate classification (germline): Uncertain significance (1 of 4 stars; one submission).

Conditions:
Inborn genetic diseases. Identifiers: MedGen C0950123, MeSH D030342.

Submission:

Ambry Genetics
Classification: Uncertain significance for Inborn genetic diseases. Last evaluated: 2026-08-11. Review status: criteria provided, single submitter. Criteria: Ambry Variant Classification Scheme 2023. Collection method: clinical testing. Allele origin: germline.
Comment: The p.A1200V variant (also known as c.3599C>T), located in coding exon 33 of the RTEL1 gene, results from a C to T substitution at nucleotide position 3599. The alanine at codon 1200 is replaced by valine, an amino acid with similar properties. This amino acid position is conserved. In addition, this alteration is predicted to be tolerated by in silico analysis. Based on the available evidence, the clinical significance of this variant remains unclear.